The following is an entry in ClinVar:

NM_000494.4(COL17A1):c.1223-1G>C

Gene: COL17A1 (collagen type XVII alpha 1 chain; minus strand). Cytogenetic location: 10q25.1.
Variant type: single nucleotide variant.
Coding change: c.1223-1G>C on transcript NM_000494.4 (MANE Select); the canonical splice acceptor site of the intron before coding-DNA position 1223, G replaced by C.
Molecular consequence: splice acceptor variant.
Genome position (GRCh38, 1-based): chr10:104,058,191, C>G on the plus strand (G>C on the coding strand, the complement: COL17A1 is on the minus strand). VCF-style: chr10-104058191-C-G. GRCh37 (hg19) VCF-style: chr10-105817949-C-G.
Identifiers: ClinVar variation 1964151 (VCV001964151.5), dbSNP rs574670052, ClinGen allele CA5679105.

ClinVar aggregate classification (germline): Likely pathogenic (1 of 4 stars; one submission).

Allele frequency attached by ClinVar (database versions not stated): gnomAD 0.00001; ExAC 0.00002; 1000 Genomes Project 30x 0.00016; 1000 Genomes Project 0.00020.
gnomAD v4.1: 2 of 1,614,204 alleles (0.00012%); highest among the groups gnomAD compares: East Asian, 0.0022%; no homozygotes.

Submission:

Labcorp Genetics (formerly Invitae), Labcorp
Classification: Likely pathogenic. Last evaluated: 2024-02-11. Review status: criteria provided, single submitter. Criteria: Invitae Variant Classification Sherloc (09022015). Collection method: clinical testing. Allele origin: germline.
Comment: This sequence change affects an acceptor splice site in intron 15 of the COL17A1 gene. It is expected to disrupt RNA splicing. Variants that disrupt the donor or acceptor splice site typically lead to a loss of protein function (PMID: 16199547), and loss-of-function variants in COL17A1 are known to be pathogenic (PMID: 16473856, 17344927, 20301304, 21357940, 24319098). This variant is present in population databases (rs574670052, gnomAD 0.006%). This variant has not been reported in the literature in individuals affected with COL17A1-related conditions. ClinVar contains an entry for this variant (Variation ID: 1964151). Algorithms developed to predict the effect of sequence changes on RNA splicing suggest that this variant may disrupt the consensus splice site. In summary, the currently available evidence indicates that the variant is pathogenic, but additional data are needed to prove that conclusively. Therefore, this variant has been classified as Likely Pathogenic.

Literature cited by the submitters: PubMed 16199547; PubMed 16473856; PubMed 17344927; PubMed 20301304; PubMed 21357940; PubMed 24319098.